The following is an entry in ClinVar:

ClinVar aggregate classification (germline): Uncertain significance (1 of 4 stars; one submission).

Allele frequency attached by ClinVar (database versions not stated): TOPMed below 0.00001; ExAC 0.00001; gnomAD exomes 0.00001.

Submission:

Labcorp Genetics (formerly Invitae), Labcorp
Classification: Uncertain significance. Last evaluated: 2022-12-24. Review status: criteria provided, single submitter. Criteria: Invitae Variant Classification Sherloc (09022015). Collection method: clinical testing. Allele origin: germline.
Comment: In summary, the available evidence is currently insufficient to determine the role of this variant in disease. Therefore, it has been classified as a Variant of Uncertain Significance. Algorithms developed to predict the effect of missense changes on protein structure and function are either unavailable or do not agree on the potential impact of this missense change (SIFT: "Deleterious"; PolyPhen-2: "Benign"; Align-GVGD: "Class C0"). This variant has not been reported in the literature in individuals affected with PTDSS1-related conditions. This variant is present in population databases (rs767313221, gnomAD 0.0009%). This sequence change replaces methionine, which is neutral and non-polar, with threonine, which is neutral and polar, at codon 19 of the PTDSS1 protein (p.Met19Thr).

NM_014754.3(PTDSS1):c.56T>C (p.Met19Thr)

Gene: PTDSS1 (phosphatidylserine synthase 1; plus strand). Cytogenetic location: 8q22.1.
Variant type: single nucleotide variant.
Coding change: c.56T>C on transcript NM_014754.3 (MANE Select); coding-DNA position 56, T replaced by C.
Protein change: p.Met19Thr; replaces methionine 19 with threonine.
Molecular consequence: missense variant. On other transcripts: 5 prime UTR variant (1).
Genome position (GRCh38, 1-based): chr8:96,262,096, T>C. VCF-style: chr8-96262096-T-C. GRCh37 (hg19) VCF-style: chr8-97274324-T-C.
Other names: c.-213T>C (NM_001290225.2); short protein forms M19T.
Identifiers: ClinVar variation 2872021 (VCV002872021.3), dbSNP rs767313221, ClinGen allele CA4816463.